The following is an entry in ClinVar:

ClinVar aggregate classification (germline): Uncertain significance (1 of 4 stars; one submission).

Conditions:
Cardiovascular phenotype. Identifiers: MedGen CN230736.

Allele frequency attached by ClinVar (database versions not stated): TOPMed below 0.00001; gnomAD 0.00001.
gnomAD v4.1: 6 of 1,456,000 alleles (0.00041%); highest among the groups gnomAD compares: Non-Finnish European, 0.00054%; no homozygotes.

Submission:

Ambry Genetics
Classification: Uncertain significance for Cardiovascular phenotype. Last evaluated: 2022-05-07. Review status: criteria provided, single submitter. Criteria: Ambry Variant Classification Scheme 2023. Collection method: clinical testing. Allele origin: germline.
Comment: The p.E399Q variant (also known as c.1195G>C), located in coding exon 8 of the TBX1 gene, results from a G to C substitution at nucleotide position 1195. The glutamic acid at codon 399 is replaced by glutamine, an amino acid with highly similar properties. This amino acid position is conserved. In addition, this alteration is predicted to be tolerated by in silico analysis. Since supporting evidence is limited at this time, the clinical significance of this alteration remains unclear.

NM_001379200.1(TBX1):c.1222G>C (p.Glu408Gln)

Gene: TBX1 (T-box transcription factor 1; plus strand). Cytogenetic location: 22q11.21.
Variant type: single nucleotide variant.
Coding change: c.1222G>C on transcript NM_001379200.1 (MANE Select); coding-DNA position 1222, G replaced by C.
Protein change: p.Glu408Gln; replaces glutamic acid 408 with glutamine.
Molecular consequence: missense variant. On other transcripts: intron variant (2).
Genome position (GRCh38, 1-based): chr22:19,766,574, G>C. VCF-style: chr22-19766574-G-C. GRCh37 (hg19) VCF-style: chr22-19754097-G-C.
Other names: c.1195G>C, p.Glu399Gln (NM_080647.1); c.1009+572G>C (NM_005992.1, NM_080646.2); short protein forms E408Q, E399Q.
Identifiers: ClinVar variation 1745905 (VCV001745905.2), dbSNP rs1211607816, ClinGen allele CA410684581.